The following is an entry in ClinVar:

ClinVar aggregate classification (germline): Pathogenic (1 of 4 stars; one submission).

Submission:

CeGaT Center for Human Genetics Tuebingen
Classification: Pathogenic. Last evaluated: 2025-07-01. Review status: criteria provided, single submitter. Criteria: CeGaT Center For Human Genetics Tuebingen Variant Classification Criteria Version 2. Collection method: clinical testing. Allele origin: germline. Affected: yes. Observed: 1 variant allele.
Comment: ATP7B: PVS1, PM2, PP4

NM_000053.4(ATP7B):c.294del (p.Thr99fs)

Gene: ATP7B (ATPase copper transporting beta; minus strand). Cytogenetic location: 13q14.3.
Variant type: Deletion.
Coding change: c.294del on transcript NM_000053.4 (MANE Select); coding-DNA position 294, one base deleted (C; older notation c.294delC).
Protein change: p.Thr99fs; shifts the reading frame from threonine 99.
Molecular consequence: frameshift variant.
Genome position (GRCh38, 1-based): chr13:51,974,926, G deleted on the plus strand (C on the coding strand, the reverse complement: ATP7B is on the minus strand); the first of 2 consecutive G bases (chr13:51,974,926-51,974,927); deleting either gives the same sequence. VCF-style (leftmost placement, unchanged base first): chr13-51974925-TG-T. GRCh37 (hg19) VCF-style: chr13-52549061-TG-T.
Other names: c.294del, p.Thr99fs (NM_001005918.3, NM_001243182.2, NM_001330578.2 and 30 more transcripts); c.198del, p.Thr67fs (NM_001406517.1, NM_001406518.1, NM_001406530.1 and 4 more transcripts); short protein forms T67fs, T99fs.
Identifiers: ClinVar variation 4085353 (VCV004085353.8).